The following is an entry in ClinVar:

ClinVar aggregate classification (germline): Uncertain significance (1 of 4 stars; one submission).

Conditions:
Perlman syndrome (PRLMNS). Identifiers: Orphanet 2849, MedGen C0796113, MONDO:0009965, OMIM 267000.

Submission:

Labcorp Genetics (formerly Invitae), Labcorp
Classification: Uncertain significance for Perlman syndrome. Last evaluated: 2022-04-13. Review status: criteria provided, single submitter. Criteria: Invitae Variant Classification Sherloc (09022015). Collection method: clinical testing. Allele origin: germline.
Comment: This variant has not been reported in the literature in individuals affected with DIS3L2-related conditions. This variant is not present in population databases (gnomAD no frequency). This sequence change replaces leucine, which is neutral and non-polar, with proline, which is neutral and non-polar, at codon 691 of the DIS3L2 protein (p.Leu691Pro). Algorithms developed to predict the effect of missense changes on protein structure and function (SIFT, PolyPhen-2, Align-GVGD) all suggest that this variant is likely to be disruptive. In summary, the available evidence is currently insufficient to determine the role of this variant in disease. Therefore, it has been classified as a Variant of Uncertain Significance.

NM_152383.5(DIS3L2):c.2072T>C (p.Leu691Pro)

Gene: DIS3L2 (DIS3 like 3'-5' exoribonuclease 2; plus strand). Cytogenetic location: 2q37.1.
Variant type: single nucleotide variant.
Coding change: c.2072T>C on transcript NM_152383.5 (MANE Select); coding-DNA position 2072, T replaced by C.
Protein change: p.Leu691Pro; replaces leucine 691 with proline.
Molecular consequence: missense variant. On other transcripts: non-coding transcript variant (2), intron variant (1).
Genome position (GRCh38, 1-based): chr2:232,333,901, T>C. VCF-style: chr2-232333901-T-C. GRCh37 (hg19) VCF-style: chr2-233198611-T-C.
Other names: c.1582-9444T>C (NM_001257281.2); short protein forms L691P.
Identifiers: ClinVar variation 2125812 (VCV002125812.4), dbSNP rs2469446460, ClinGen allele CA350977418.
Genomic context (GRCh38, chr2:232,333,901, plus strand): 5'-TGGCACTGTACTTCTGCTCGGGGCTGCTGCAGGACCCAGCGCAGTTCCGGCACTACGCGC[T>C]CAATGTGCCCCTGTACACACACTTCACCTCGCCCATCCGCCGCTTTGCCGACGTCCTGGT-3'
Protein context (NP_689596.4, residues 681-701): QDPAQFRHYA[Leu691Pro]NVPLYTHFTS